The following is an entry in ClinVar:

NM_001370259.2(MEN1):c.230A>G (p.Tyr77Cys)

Gene: MEN1 (menin 1; minus strand). Cytogenetic location: 11q13.1.
Variant type: single nucleotide variant.
Coding change: c.230A>G on transcript NM_001370259.2 (MANE Select); coding-DNA position 230, A replaced by G.
Protein change: p.Tyr77Cys; replaces tyrosine 77 with cysteine.
Molecular consequence: missense variant.
Genome position (GRCh38, 1-based): chr11:64,809,880, T>C on the plus strand (A>G on the coding strand, the complement: MEN1 is on the minus strand). VCF-style: chr11-64809880-T-C. GRCh37 (hg19) VCF-style: chr11-64577352-T-C.
Other names: c.230A>G, p.Tyr77Cys (NM_000244.4, NM_001370251.2, NM_001370260.2 and 20 more transcripts); short protein forms Y77C.
Identifiers: ClinVar variation 1789402 (VCV001789402.7), dbSNP rs1592659269, ClinGen allele CA381187601.

ClinVar aggregate classification (germline): Uncertain significance. Review status: criteria provided, multiple submitters, no conflicts (2 of 4 stars). 3 submissions from 3 submitters: Uncertain significance (3). Last evaluated 2024-11-06.

Conditions:
Hereditary cancer-predisposing syndrome. Also called: Neoplastic Syndromes, Hereditary; Tumor predisposition; Hereditary neoplastic syndrome; Hereditary Cancer Syndrome. Identifiers: Orphanet 140162, MedGen C0027672, MeSH D009386, MONDO:0015356.
Multiple endocrine neoplasia, type 1 (MEN1). Also called: MEA I; MEN I; WERMER SYNDROME; Endocrine adenomatosis multiple; MEN 1. Identifiers: Orphanet 652, MedGen C0025267, MeSH D018761, MONDO:0007540, OMIM 131100.

gnomAD v4.1: 1 of 1,589,666 alleles (0.000063%); highest among the groups gnomAD compares: Non-Finnish European, 0.000085%; no homozygotes.

Submissions (3):

Labcorp Genetics (formerly Invitae), Labcorp
Classification: Uncertain significance for Multiple endocrine neoplasia, type 1. Last evaluated: 2024-11-06. Review status: criteria provided, single submitter. Criteria: Invitae Variant Classification Sherloc (09022015). Collection method: clinical testing. Allele origin: germline.
Comment: This sequence change replaces tyrosine, which is neutral and polar, with cysteine, which is neutral and slightly polar, at codon 77 of the MEN1 protein (p.Tyr77Cys). This variant is not present in population databases (gnomAD no frequency). This variant has not been reported in the literature in individuals affected with MEN1-related conditions. ClinVar contains an entry for this variant (Variation ID: 1789402). Invitae Evidence Modeling of protein sequence and biophysical properties (such as structural, functional, and spatial information, amino acid conservation, physicochemical variation, residue mobility, and thermodynamic stability) indicates that this missense variant is not expected to disrupt MEN1 protein function with a negative predictive value of 95%. In summary, the available evidence is currently insufficient to determine the role of this variant in disease. Therefore, it has been classified as a Variant of Uncertain Significance.

All of Us Research Program, National Institutes of Health
Classification: Uncertain significance for Multiple endocrine neoplasia, type 1. Last evaluated: 2023-10-02. Review status: criteria provided, single submitter. Criteria: ACMG Guidelines, 2015. Collection method: clinical testing. Allele origin: germline. Inheritance: Autosomal dominant inheritance. Observed: 1 variant allele, 1 heterozygote.
Comment: This missense variant replaces tyrosine with cysteine at codon 77 of the MEN1 protein. Computational prediction is inconclusive regarding the impact of this variant on protein structure and function (internally defined REVEL score threshold 0.5 < inconclusive < 0.7, PMID: 27666373). To our knowledge, functional studies have not been reported for this variant. This variant has not been reported in individuals affected with MEN1-related disorders in the literature. This variant has not been identified in the general population by the Genome Aggregation Database (gnomAD). The available evidence is insufficient to determine the role of this variant in disease conclusively. Therefore, this variant is classified as a Variant of Uncertain Significance.

This study involves interpretation of variants in research participants for the purpose of population health screening. Participant phenotype was not available at the time of variant classification. Additional details can be found in publication PMID: 35346344, PMCID: PMC8962531

Ambry Genetics
Classification: Uncertain significance for Hereditary cancer-predisposing syndrome. Last evaluated: 2022-03-14. Review status: criteria provided, single submitter. Criteria: Ambry Variant Classification Scheme 2023. Collection method: clinical testing. Allele origin: germline.
Comment: The p.Y77C variant (also known as c.230A>G), located in coding exon 1 of the MEN1 gene, results from an A to G substitution at nucleotide position 230. The tyrosine at codon 77 is replaced by cysteine, an amino acid with highly dissimilar properties. This amino acid position is conserved. In addition, the in silico prediction for this alteration is inconclusive. Since supporting evidence is limited at this time, the clinical significance of this alteration remains unclear.